The following is an entry in ClinVar:

GRCh37/hg19 18p11.32-11.31(chr18:64647-4472031)x3

Genes: ADCYAP1 (adenylate cyclase activating polypeptide 1; plus strand), CETN1 (centrin 1; plus strand), CLUL1 (clusterin like 1; plus strand), COLEC12 (collectin subfamily member 12; minus strand), DLGAP1 (DLG associated protein 1; minus strand) and 16 more. Cytogenetic location: 18p11.32-11.31.
Variant type: copy number loss.
Change: copy number 3 (three copies instead of two) of chr18:64,647-4,472,031 (4.41 Mb, GRCh37 coordinates, 1-based), cytogenetic band 18p11.32-11.31.
Identifiers: ClinVar variation 1328441 (VCV001328441.4).

ClinVar aggregate classification (germline): Uncertain significance (1 of 4 stars; one submission).

Submission:

Illumina Laboratory Services, Illumina
Classification: Uncertain significance. Last evaluated: 2021-06-23. Review status: criteria provided, single submitter. Criteria: ICSL CNVClassificationCriteria Aug2020. Collection method: clinical testing. Allele origin: unknown.
Comment: This CNV is a ~4.4 Mb duplication of unknown inheritance of 18p11.32-p11.31, on chromosome 18, (seq[GRCh37]dup(18)(p11.32p11.31); chr18:g.64647_4472031dup). This CNV constitutes a gain encompassing 57 genes, of which 20 are protein-coding. No triplosensitive genes have been reported in this region. A few de novo unbalanced translocations of the 18pter region have been reported in the literature, but the phenotype in these cases are attributed to the terminal deletion of the other chromosome (Andrieux et al. 2007; Zhou et al. 2014). Pure duplications in the 18p11.32-p11.31 region have been reported in different cases with diverse phenotypes of mild-moderate intellectual disability or developmental delay and behavioral difficulties without any physical anomalies, porokeratosis of Mibelli and motor stereotypy, dysarthria, aggression, ADHD, autism signs and mild dysmorphism (Occella et al. 2013; Kashevarova et al. 2014; Balasubramanian et al. 2015). Similar CNVs have not been reported in controls (Cooper et al. 2011; MacDonald et al. 2014). Based on the limited evidence, this CNV is classified as a variant of uncertain significance.

Literature cited by the submitters: PubMed 18053786; PubMed 21841781; PubMed 23593459; PubMed 24174537; PubMed 24291026; PubMed 26287558; PubMed 27708716.